The following is an entry in ClinVar:

ClinVar aggregate classification (germline): Uncertain significance (1 of 4 stars; one submission).

Allele frequency attached by ClinVar (database versions not stated): ExAC 0.00001; gnomAD 0.00001; gnomAD exomes 0.00001 and 0.00002; TOPMed 0.00002; ESP Exome Variant Server 0.00008.
gnomAD v4.1: 21 of 1,614,032 alleles (0.0013%); highest among the groups gnomAD compares: South Asian, 0.0044%; no homozygotes.

Submission:

Labcorp Genetics (formerly Invitae), Labcorp
Classification: Uncertain significance. Last evaluated: 2022-06-27. Review status: criteria provided, single submitter. Criteria: Invitae Variant Classification Sherloc (09022015). Collection method: clinical testing. Allele origin: germline.
Comment: This sequence change replaces alanine, which is neutral and non-polar, with threonine, which is neutral and polar, at codon 1046 of the RUSC2 protein (p.Ala1046Thr). This variant is present in population databases (rs372913371, gnomAD 0.02%). This variant has not been reported in the literature in individuals affected with RUSC2-related conditions. Algorithms developed to predict the effect of missense changes on protein structure and function are either unavailable or do not agree on the potential impact of this missense change (SIFT: "Tolerated"; PolyPhen-2: "Probably Damaging"; Align-GVGD: "Class C0"). In summary, the available evidence is currently insufficient to determine the role of this variant in disease. Therefore, it has been classified as a Variant of Uncertain Significance.

NM_014806.5(RUSC2):c.3136G>A (p.Ala1046Thr)

Gene: RUSC2 (RUN and SH3 domain containing 2; plus strand). Cytogenetic location: 9p13.3.
Variant type: single nucleotide variant.
Coding change: c.3136G>A on transcript NM_014806.5 (MANE Select); coding-DNA position 3136, G replaced by A.
Protein change: p.Ala1046Thr; replaces alanine 1046 with threonine.
Molecular consequence: missense variant. On other transcripts: non-coding transcript variant (1).
Genome position (GRCh38, 1-based): chr9:35,558,272, G>A. VCF-style: chr9-35558272-G-A. GRCh37 (hg19) VCF-style: chr9-35558269-G-A.
Other names: c.3136G>A, p.Ala1046Thr (NM_001135999.2); c.502G>A, p.Ala168Thr (NM_001330740.2); short protein forms A1046T, A168T.
Identifiers: ClinVar variation 1417863 (VCV001417863.5), dbSNP rs372913371, ClinGen allele CA5044065.